The following is an entry in ClinVar:

ClinVar aggregate classification (germline): Uncertain significance (1 of 4 stars; one submission).

Allele frequency attached by ClinVar (database versions not stated): gnomAD exomes below 0.00001.
gnomAD v4.1: 2 of 1,614,224 alleles (0.00012%); highest among the groups gnomAD compares: Non-Finnish European, 0.00017%; no homozygotes.

Submission:

Labcorp Genetics (formerly Invitae), Labcorp
Classification: Uncertain significance. Last evaluated: 2022-03-04. Review status: criteria provided, single submitter. Criteria: Invitae Variant Classification Sherloc (09022015). Collection method: clinical testing. Allele origin: germline.
Comment: This sequence change replaces glutamic acid, which is acidic and polar, with aspartic acid, which is acidic and polar, at codon 66 of the KIAA0556 protein (p.Glu66Asp). This variant is not present in population databases (gnomAD no frequency). This variant has not been reported in the literature in individuals affected with KIAA0556-related conditions. Algorithms developed to predict the effect of missense changes on protein structure and function are either unavailable or do not agree on the potential impact of this missense change (SIFT: "Deleterious"; PolyPhen-2: "Probably Damaging"; Align-GVGD: "Class C0"). In summary, the available evidence is currently insufficient to determine the role of this variant in disease. Therefore, it has been classified as a Variant of Uncertain Significance.

NM_015202.5(KATNIP):c.198G>C (p.Glu66Asp)

Gene: KATNIP (katanin interacting protein; plus strand). Cytogenetic location: 16p12.1.
Variant type: single nucleotide variant.
Coding change: c.198G>C on transcript NM_015202.5 (MANE Select); coding-DNA position 198, G replaced by C.
Protein change: p.Glu66Asp; replaces glutamic acid 66 with aspartic acid.
Molecular consequence: missense variant.
Genome position (GRCh38, 1-based): chr16:27,628,718, G>C. VCF-style: chr16-27628718-G-C. GRCh37 (hg19) VCF-style: chr16-27640039-G-C.
Other names: short protein forms E66D.
Identifiers: ClinVar variation 2106137 (VCV002106137.4), dbSNP rs1033066580, ClinGen allele CA395309869.